The following is an entry in ClinVar:

ClinVar aggregate classification (germline): Likely pathogenic (1 of 4 stars; one submission).

Conditions:
VPS13B-related disorder. Also called: VPS13B-related condition.

gnomAD v4.1: 1 of 1,614,098 alleles (0.000062%); highest among the groups gnomAD compares: Non-Finnish European, 0.000085%; no homozygotes.

Submission:

PreventionGenetics, part of Exact Sciences
Classification: Likely pathogenic for VPS13B-related condition. Last evaluated: 2025-01-20. Review status: criteria provided, single submitter. Criteria: ACMG Guidelines, 2015. Collection method: clinical testing. Allele origin: germline.
Comment: The VPS13B c.10842T>G variant is predicted to result in premature protein termination (p.Tyr3614*). To our knowledge, this variant has not been reported in the literature or in a large population database (gnomAD), indicating this variant is rare. Nonsense variants in VPS13B are expected to be pathogenic. This variant is interpreted as likely pathogenic.

NM_152564.5(VPS13B):c.10842T>G (p.Tyr3614Ter)

Gene: VPS13B (vacuolar protein sorting 13 homolog B; plus strand). Cytogenetic location: 8q22.2.
Variant type: single nucleotide variant.
Coding change: c.10842T>G on transcript NM_152564.5 (MANE Select); coding-DNA position 10842, T replaced by G.
Protein change: p.Tyr3614Ter; replaces tyrosine 3614 with a stop codon.
Molecular consequence: nonsense.
Genome position (GRCh38, 1-based): chr8:99,854,231, T>G. VCF-style: chr8-99854231-T-G. GRCh37 (hg19) VCF-style: chr8-100866459-T-G.
Other names: c.10917T>G, p.Tyr3639Ter (NM_017890.5); short protein forms Y3614*, Y3639*.
Identifiers: ClinVar variation 5002239 (VCV005002239.1).